The following is an entry in ClinVar:

ClinVar aggregate classification (germline): Uncertain significance (1 of 4 stars; one submission).

Conditions:
Neurofibromatosis, type 1 (NF1). Also called: Neurofibromatosis, type I; VON RECKLINGHAUSEN DISEASE; NEUROFIBROMATOSIS, TYPE I, SOMATIC; Peripheral type neurofibromatosis. Identifiers: Orphanet 636, MedGen C0027831, MONDO:0018975, OMIM 162200. Disease mechanism: loss of function.

Submission:

Juno Genomics, Hangzhou Juno Genomics, Inc
Classification: Uncertain significance for Neurofibromatosis, type 1. Review status: criteria provided, single submitter. Criteria: ACMG Guidelines, 2015. Collection method: clinical testing. Allele origin: germline. Affected: yes.
Comment: Absent from controls (or at extremely low frequency if recessive) in Genome Aggregation Database, Exome Sequencing Project, 1000 Genomes Project, or Exome Aggregation Consortium.;Missense variant in a gene that has a low rate of benign missense variation and where missense variants are a common mechanism of disease.;Patient's phenotype or family history is highly specific for a disease with a single genetic etiology.

NM_001042492.3(NF1):c.6881C>G (p.Thr2294Arg)

Gene: NF1 (neurofibromin 1; plus strand). Cytogenetic location: 17q11.2.
Variant type: single nucleotide variant.
Coding change: c.6881C>G on transcript NM_001042492.3 (MANE Select); coding-DNA position 6881, C replaced by G.
Protein change: p.Thr2294Arg; replaces threonine 2294 with arginine.
Molecular consequence: missense variant.
Genome position (GRCh38, 1-based): chr17:31,338,765, C>G. VCF-style: chr17-31338765-C-G. GRCh37 (hg19) VCF-style: chr17-29665783-C-G.
Other names: c.6818C>G, p.Thr2273Arg (NM_000267.4); short protein forms T2273R, T2294R.
Identifiers: ClinVar variation 3382192 (VCV003382192.2).